The following is an entry in ClinVar:

ClinVar aggregate classification (germline): Uncertain significance (1 of 4 stars; one submission).

Conditions:
Atypical hemolytic-uremic syndrome. Identifiers: Orphanet 2134, MedGen C2931788, MONDO:0016244.

Submission:

Genomenon, Inc
Classification: Uncertain significance for Atypical hemolytic-uremic syndrome. Last evaluated: 2025-10-02. Review status: criteria provided, single submitter. Criteria: Genomenon Sequence Variant Interpretation Standards. Collection method: curation. Allele origin: germline. Affected: yes.
Comment: CD46 p.Thr303_Ser309del (c.906_926del) is an in-frame deletion that results in the deletion of multiple amino acids, from Threonine at position 303 to Serine at position 309. This variant has been observed in at least one proband affected with atypical hemolytic-uremic syndrome (PMID:17914026). It is absent or not present at a significant frequency in gnomAD. In conclusion, we classify CD46 p.Thr303_Ser309del (c.906_926del) as a variant of uncertain significance.

Literature cited by the submitters: PubMed 17914026.

NM_172351.3(CD46):c.861_881del (p.Thr288_Ser294del)

Gene: CD46 (CD46 molecule; plus strand). Cytogenetic location: 1q32.2.
Variant type: Deletion.
Coding change: c.861_881del on transcript NM_172351.3 (MANE Select); coding-DNA positions 861 to 881, 21 bases deleted (GACTTCTTCCACTACAAAATC).
Protein change: p.Thr288_Ser294del.
Molecular consequence: inframe deletion. On other transcripts: intron variant (5).
Genome position (GRCh38, 1-based): chr1:207,767,783-207,767,803, GACTTCTTCCACTACAAAATC deleted; deleting any 21 consecutive bases within chr1:207,767,781-207,767,803 gives the same sequence; the c. name uses the placement nearest the transcript's 3' end. VCF-style (leftmost placement, unchanged base first): chr1-207767780-GTCGACTTCTTCCACTACAAAA-G. GRCh37 (hg19) VCF-style: chr1-207941125-GTCGACTTCTTCCACTACAAAA-G.
Other names: c.906_926del, p.Thr303_Ser309del (NM_002389.4, NM_172359.3); c.861_881del, p.Thr288_Ser294del (NM_153826.4, NM_172355.3, NM_172356.3 and 1 more transcripts); c.856+588_856+608del (NM_172352.3, NM_172353.3, NM_172350.3 and 2 more transcripts).
Identifiers: ClinVar variation 4291240 (VCV004291240.1).